The following is an entry in ClinVar:

NM_016592.5(GNAS):c.618G>A (p.Glu206=)

Genes: GNAS (GNAS complex locus; plus strand), GNAS-AS1 (GNAS antisense RNA 1; minus strand). Cytogenetic location: 20q13.32.
Variant type: single nucleotide variant.
Coding change: c.618G>A on transcript NM_016592.5 (MANE Plus Clinical); coding-DNA position 618, G replaced by A.
Protein change: p.Glu206=; no amino-acid change (glutamic acid 206 retained).
Molecular consequence: synonymous variant. On other transcripts: 5 prime UTR variant (1).
Genome position (GRCh38, 1-based): chr20:58,840,724, G>A. VCF-style: chr20-58840724-G-A. GRCh37 (hg19) VCF-style: chr20-57415779-G-A.
Other names: c.-120G>A (NM_001410912.1).
Identifiers: ClinVar variation 3355486 (VCV003355486.2).
Genomic context (GRCh38, chr20:58,840,724, plus strand): 5'-GAGCCCCAGGGAAGGGGAGGAGCTCAAGCCCGAGGACAAAGATCCAAGGGACCCCGAAGA[G>A]TCGAAGGAGCCCAAGGAGGAGAAGCAGCGGCGTCGCTGCAAGCCAAAGAAGCCCACCCGC-3'
Protein context (NP_057676.1, residues 196-216): PEDKDPRDPE[Glu206=]SKEPKEEKQR

ClinVar aggregate classification (germline): Likely benign. Review status: criteria provided, single submitter (1 of 4 stars). 2 submissions from 2 submitters: Likely benign (1). 1 of the submissions does not count toward it. Last evaluated 2024-10-17.

Conditions:
GNAS-related disorder. Identifiers: MedGen CN380105.

gnomAD v4.1: 195 of 1,604,236 alleles (0.012%); highest among the groups gnomAD compares: Non-Finnish European, 0.015%; no homozygotes.

Submissions (2):

Blueprint Genetics
Classification: Likely benign. Last evaluated: 2024-10-17. Review status: criteria provided, single submitter. Criteria: ACMG Guidelines, 2015. Collection method: clinical testing. Allele origin: germline.

PreventionGenetics, part of Exact Sciences
Classification: Likely benign for GNAS-related condition. Last evaluated: 2020-06-18. Review status: no assertion criteria provided. Collection method: clinical testing. Allele origin: germline. Not counted in ClinVar's aggregate classification.
Comment: This variant is classified as likely benign based on ACMG/AMP sequence variant interpretation guidelines (Richards et al. 2015 PMID: 25741868, with internal and published modifications).